The following is an entry in ClinVar:

NM_025132.4(WDR19):c.1658A>G (p.Asp553Gly)

Gene: WDR19 (WD repeat domain 19; plus strand). Cytogenetic location: 4p14.
Variant type: single nucleotide variant.
Coding change: c.1658A>G on transcript NM_025132.4 (MANE Select); coding-DNA position 1658, A replaced by G.
Protein change: p.Asp553Gly; replaces aspartic acid 553 with glycine.
Molecular consequence: missense variant.
Genome position (GRCh38, 1-based): chr4:39,228,238, A>G. VCF-style: chr4-39228238-A-G. GRCh37 (hg19) VCF-style: chr4-39229858-A-G.
Other names: c.1178A>G, p.Asp393Gly (NM_001317924.2); short protein forms D553G, D393G.
Identifiers: ClinVar variation 2944254 (VCV002944254.3), dbSNP rs1730478592, ClinGen allele CA356632609.
Genomic context (GRCh38, chr4:39,228,238, plus strand): 5'-CTTGGGGCAAATCTGTAAATTTTATTTTGTAGGTCAATGACGCTACCTATGAGATTCCAG[A>G]TTTTTCACCAACCATTAAAGGTGTTCTTTGGGAAAACTGGCCAATGGATAAAGGTGTATT-3'
Protein context (NP_079408.3, residues 543-563): PVNDATYEIP[Asp553Gly]FSPTIKGVLW

ClinVar aggregate classification (germline): Uncertain significance (1 of 4 stars; one submission).

Conditions:
Senior-Loken syndrome 8 (SLSN8). Identifiers: Orphanet 3156, MedGen C4225376, MONDO:0014579, OMIM 616307.
Asphyxiating thoracic dystrophy 5 (SRTD5). Also called: SHORT-RIB THORACIC DYSPLASIA 5 WITH OR WITHOUT POLYDACTYLY; SHORT-RIB THORACIC DYSPLASIA 5 WITHOUT POLYDACTYLY. Identifiers: Orphanet 474, MedGen C3280598, MONDO:0013717, OMIM 614376.

Allele frequency attached by ClinVar (database versions not stated): gnomAD exomes below 0.00001; gnomAD 0.00001.

Submission:

Labcorp Genetics (formerly Invitae), Labcorp
Classification: Uncertain significance for Senior-Loken syndrome 8; Asphyxiating thoracic dystrophy 5. Last evaluated: 2023-02-14. Review status: criteria provided, single submitter. Criteria: Invitae Variant Classification Sherloc (09022015). Collection method: clinical testing. Allele origin: germline.
Comment: This sequence change replaces aspartic acid, which is acidic and polar, with glycine, which is neutral and non-polar, at codon 553 of the WDR19 protein (p.Asp553Gly). This variant is not present in population databases (gnomAD no frequency). This variant has not been reported in the literature in individuals affected with WDR19-related conditions. Advanced modeling of protein sequence and biophysical properties (such as structural, functional, and spatial information, amino acid conservation, physicochemical variation, residue mobility, and thermodynamic stability) performed at Invitae indicates that this missense variant is not expected to disrupt WDR19 protein function. In summary, the available evidence is currently insufficient to determine the role of this variant in disease. Therefore, it has been classified as a Variant of Uncertain Significance.